The following is an entry in ClinVar:

NM_004304.5(ALK):c.3173-662del

Gene: ALK (ALK receptor tyrosine kinase; minus strand). Cytogenetic location: 2p23.2.
Variant type: Deletion.
Coding change: c.3173-662del on transcript NM_004304.5 (MANE Select); 662 bases into the intron before coding-DNA position 3173, one base deleted (T; older notation c.3173-662delT).
Molecular consequence: intron variant.
Genome position (GRCh38, 1-based): chr2:29,224,190, A deleted on the plus strand (T on the coding strand, the reverse complement: ALK is on the minus strand). VCF-style (leftmost placement, unchanged base first): chr2-29224189-GA-G. GRCh37 (hg19) VCF-style: chr2-29447055-GA-G.
Identifiers: ClinVar variation 2650791 (VCV002650791.24), dbSNP rs980450674, ClinGen allele CA44632303.

ClinVar aggregate classification (germline): Benign (1 of 4 stars; one submission).

Allele frequency attached by ClinVar (database versions not stated): gnomAD 0.00080; TOPMed 0.00094.

Submission:

CeGaT Center for Human Genetics Tuebingen
Classification: Benign. Last evaluated: 2022-09-01. Review status: criteria provided, single submitter. Criteria: CeGaT Center For Human Genetics Tuebingen Variant Classification Criteria Version 2. Collection method: clinical testing. Allele origin: germline. Affected: yes. Observed: 1 variant allele.
Comment: ALK: BS1, BS2